The following is an entry in ClinVar:

NM_001195305.3(BBIP1):c.38-6071C>T

Gene: BBIP1 (BBSome interacting protein 1; minus strand). Cytogenetic location: 10q25.2.
Variant type: single nucleotide variant.
Coding change: c.38-6071C>T on transcript NM_001195305.3 (MANE Select); 6071 bases into the intron before coding-DNA position 38, C replaced by T.
Molecular consequence: intron variant. On other transcripts: missense variant (1).
Genome position (GRCh38, 1-based): chr10:110,907,683, G>A on the plus strand (C>T on the coding strand, the complement: BBIP1 is on the minus strand). VCF-style: chr10-110907683-G-A. GRCh37 (hg19) VCF-style: chr10-112667441-G-A.
Other names: NC_000010.10:g.112667441G>A; c.191C>T, p.Ala64Val (NM_001195304.2); c.38-6071C>T (NM_001195306.2); c.-29-6071C>T (NM_001243783.3); c.38-7157C>T (NM_001195307.2); short protein forms A64V.
Identifiers: ClinVar variation 2636828 (VCV002636828.3), dbSNP rs760064445, ClinGen allele CA378390937.

ClinVar aggregate classification (germline): Uncertain significance (0 of 4 stars; one submission).

Conditions:
BBIP1-related disorder. Also called: BBIP1-related condition.

gnomAD v4.1: 16 of 680,878 alleles (0.0023%); highest among the groups gnomAD compares: Admixed American, 0.0045%; no homozygotes.

Submissions (2):

PreventionGenetics, part of Exact Sciences
Classification: Uncertain significance for BBIP1-related condition. Last evaluated: 2024-07-09. Review status: no assertion criteria provided. Collection method: clinical testing. Allele origin: germline.
Comment: The BBIP1 c.191C>T variant is predicted to result in the amino acid substitution p.Ala64Val. To our knowledge, this variant has not been reported in the literature. This variant is reported in 0.0052% of alleles in individuals of Latino descent in gnomAD. At this time, the clinical significance of this variant is uncertain due to the absence of conclusive functional and genetic evidence.

Dr. Peter K. Rogan Lab, Western University
No classification provided (evidence only). Condition: Sarcoma. Review status: no classification provided. Collection method: in vitro. Allele origin: not applicable. Functional consequence: retained intron. Not counted in ClinVar's aggregate classification.